The following is an entry in ClinVar:

ClinVar aggregate classification (germline): Conflicting classifications of pathogenicity. Review status: criteria provided, conflicting classifications (1 of 4 stars). 5 submissions from 5 submitters: Uncertain significance (2); Likely benign (1). 2 of the submissions do not count toward it. Last evaluated 2025-09-02.

Conditions:
KIF5A-related disorder. Also called: KIF5A-related disorders; KIF5A-related condition.
Hereditary spastic paraplegia 10 (SPG10). Also called: SPASTIC PARAPLEGIA 10, AUTOSOMAL DOMINANT; SPASTIC PARAPLEGIA 10 WITH OR WITHOUT PERIPHERAL NEUROPATHY; SPASTIC PARAPLEGIA 10 WITH PERIPHERAL NEUROPATHY. Identifiers: Orphanet 100991, MedGen C1858712, MONDO:0011408, OMIM 604187.
Spastic paraplegia. Identifiers: MedGen C0037772, HP:0001258.

Allele frequency attached by ClinVar (database versions not stated): gnomAD 0.00001; TOPMed 0.00001; gnomAD exomes 0.00002 and 0.00003; ExAC 0.00003; 1000 Genomes Project 0.00020; 1000 Genomes Project 30x 0.00031.
gnomAD v4.1: 35 of 1,613,968 alleles (0.0022%); highest among the groups gnomAD compares: Admixed American, 0.01%; no homozygotes.

Submissions (5):

Women's Health and Genetics/Laboratory Corporation of America, LabCorp
Classification: Uncertain significance. Last evaluated: 2025-09-02. Review status: criteria provided, single submitter. Criteria: LabCorp Variant Classification Summary - May 2015. Collection method: clinical testing. Allele origin: germline.
Comment: Variant summary: KIF5A c.1082C>T (p.Ala361Val) results in a non-conservative amino acid change located in the coiled-coil coding region (neck region of the protein, Lo_2006 and Goizet_2009) of the encoded protein sequence. Algorithms developed to predict the effect of missense changes on protein structure and function are either unavailable or do not agree on the potential impact of this missense change. The variant allele was found at a frequency of 2.8e-05 in 249638 control chromosomes. The available data on variant occurrences in the general population are insufficient to allow any conclusion about variant significance. c.1082C>T has been observed in at least one individual affected with late-onset autosomal dominant hereditary spastic paraparesis without familial segregation analysis (Lo_2006). In addition, the variant was detected in an individual with primary progressive multiple sclerosis (PPMS) and an individual with relapsing multiple sclerosis (RMS) (Jia_2018). These data do not allow any conclusion about variant significance. At least one functional study reports that this variant did not change the gliding properties of the protein (microtubule affinity or gliding velocity) in vitro (Ebbing_2008). The following publications have been ascertained in the context of this evaluation (PMID: 21623771, 18203753, 18853458, 29908077, 25008398, 16476820, 18500496). ClinVar contains an entry for this variant (Variation ID: 6809). Based on the evidence outlined above, the variant was classified as uncertain significance.

Labcorp Genetics (formerly Invitae), Labcorp
Classification: Likely benign for Spastic paraplegia. Last evaluated: 2025-07-06. Review status: criteria provided, single submitter. Criteria: Invitae Variant Classification Sherloc (09022015). Collection method: clinical testing. Allele origin: germline.

CeGaT Center for Human Genetics Tuebingen
Classification: Uncertain significance. Last evaluated: 2023-11-01. Review status: criteria provided, single submitter. Criteria: CeGaT Center For Human Genetics Tuebingen Variant Classification Criteria Version 2. Collection method: clinical testing. Allele origin: germline. Affected: yes. Observed: 1 variant allele.
Comment: KIF5A: PP2

PreventionGenetics, part of Exact Sciences
Classification: Uncertain significance for KIF5A-related condition. Last evaluated: 2023-10-20. Review status: no assertion criteria provided. Collection method: clinical testing. Allele origin: germline. Not counted in ClinVar's aggregate classification.
Comment: The KIF5A c.1082C>T variant is predicted to result in the amino acid substitution p.Ala361Val. This variant was reported in individuals with spastic paraplegia and also in an individual with primary progressive multiple sclerosis (Lo Giudice et al. 2006. PubMed ID: 16476820; Ebbing et al. 2008. PubMed ID: 18203753; Jia et al. 2018. PubMed ID: 29908077). In an in vitro functional assay designed to model kinesin-1 (KIF5A) transport activity (multiple motor gliding assays), there was no difference between p.Ala361Val and wild-type activity (Ebbing et al. 2008. PubMed ID: 18203753). This variant is reported in 0.0087% of alleles in individuals of Latino descent in gnomAD. At this time, the clinical significance of this variant is uncertain due to the absence of conclusive functional and genetic evidence.

OMIM
Classification: Pathogenic for SPASTIC PARAPLEGIA 10. Last evaluated: 2006-02-01. Review status: no assertion criteria provided. Collection method: literature only. Allele origin: germline. Not counted in ClinVar's aggregate classification.

Literature cited by the submitters: PubMed 29908077 (cited by Women's Health and Genetics/Laboratory Corporation of America, LabCorp); PubMed 21623771 (cited by Women's Health and Genetics/Laboratory Corporation of America, LabCorp); PubMed 18203753 (cited by Women's Health and Genetics/Laboratory Corporation of America, LabCorp); PubMed 18853458 (cited by Women's Health and Genetics/Laboratory Corporation of America, LabCorp); PubMed 25008398 (cited by Women's Health and Genetics/Laboratory Corporation of America, LabCorp); PubMed 16476820 (cited by Women's Health and Genetics/Laboratory Corporation of America, LabCorp and OMIM); PubMed 18500496 (cited by Women's Health and Genetics/Laboratory Corporation of America, LabCorp).

NM_004984.4(KIF5A):c.1082C>T (p.Ala361Val)

Gene: KIF5A (kinesin family member 5A; plus strand). Cytogenetic location: 12q13.3.
Variant type: single nucleotide variant.
Coding change: c.1082C>T on transcript NM_004984.4 (MANE Select); coding-DNA position 1082, C replaced by T.
Protein change: p.Ala361Val; replaces alanine 361 with valine.
Molecular consequence: missense variant.
Genome position (GRCh38, 1-based): chr12:57,569,648, C>T. VCF-style: chr12-57569648-C-T. GRCh37 (hg19) VCF-style: chr12-57963431-C-T.
Other names: c.815C>T, p.Ala272Val (NM_001354705.2); short protein forms A361V, A272V.
Identifiers: ClinVar variation 6809 (VCV000006809.35), dbSNP rs121434444, ClinGen allele CA118523.